The following is an entry in ClinVar:

ClinVar aggregate classification (germline): Uncertain significance (1 of 4 stars; one submission).

Conditions:
X-linked immunodeficiency with magnesium defect, Epstein-Barr virus infection and neoplasia. Identifiers: Orphanet 317476, MedGen C3275445, MONDO:0010455, OMIM 300853.

Submission:

Labcorp Genetics (formerly Invitae), Labcorp
Classification: Uncertain significance for X-linked immunodeficiency with magnesium defect, Epstein-Barr virus infection and neoplasia. Last evaluated: 2022-09-27. Review status: criteria provided, single submitter. Criteria: Invitae Variant Classification Sherloc (09022015). Collection method: clinical testing. Allele origin: germline.
Comment: This variant has not been reported in the literature in individuals affected with MAGT1-related conditions. Advanced modeling of protein sequence and biophysical properties (such as structural, functional, and spatial information, amino acid conservation, physicochemical variation, residue mobility, and thermodynamic stability) performed at Invitae indicates that this missense variant is not expected to disrupt MAGT1 protein function. In summary, the available evidence is currently insufficient to determine the role of this variant in disease. Therefore, it has been classified as a Variant of Uncertain Significance. This sequence change replaces valine, which is neutral and non-polar, with isoleucine, which is neutral and non-polar, at codon 159 of the MAGT1 protein (p.Val159Ile). This variant is not present in population databases (gnomAD no frequency).

NM_001367916.1(MAGT1):c.379G>A (p.Val127Ile)

Gene: MAGT1 (magnesium transporter 1; minus strand). Cytogenetic location: Xq21.1.
Variant type: single nucleotide variant.
Coding change: c.379G>A on transcript NM_001367916.1 (MANE Select); coding-DNA position 379, G replaced by A.
Protein change: p.Val127Ile; replaces valine 127 with isoleucine.
Molecular consequence: missense variant.
Genome position (GRCh38, 1-based): chrX:77,870,819, C>T on the plus strand (G>A on the coding strand, the complement: MAGT1 is on the minus strand). VCF-style: chrX-77870819-C-T. GRCh37 (hg19) VCF-style: chrX-77126316-C-T.
Other names: c.475G>A, p.Val159Ile (NM_032121.5); short protein forms V127I, V159I.
Identifiers: ClinVar variation 2200333 (VCV002200333.4), dbSNP rs2522013251, ClinGen allele CA413711026.
Genomic context (GRCh38, chrX:77,870,819, plus strand): 5'-CACTATATTTTACCTATTTTTATATAGCAGAATAAACCAAAGATCTTACCATCTGAAATA[C>T]ATCAGAGCCTTCATCAAAATCCACCATGGCAAAAAATATCCTGTTGGTGAATGCACTGGA-3'
Protein context (NP_001354845.1, residues 117-137): AMVDFDEGSD[Val127Ile]FQMLNMNSAP